The following is an entry in ClinVar:

NM_000525.4(KCNJ11):c.755T>C (p.Val252Ala)

Gene: KCNJ11 (potassium inwardly rectifying channel subfamily J member 11; minus strand). Cytogenetic location: 11p15.1.
Variant type: single nucleotide variant.
Coding change: c.755T>C on transcript NM_000525.4 (MANE Select); coding-DNA position 755, T replaced by C.
Protein change: p.Val252Ala; replaces valine 252 with alanine.
Molecular consequence: missense variant.
Genome position (GRCh38, 1-based): chr11:17,387,337, A>G on the plus strand (T>C on the coding strand, the complement: KCNJ11 is on the minus strand). VCF-style: chr11-17387337-A-G. GRCh37 (hg19) VCF-style: chr11-17408884-A-G.
Other names: c.494T>C, p.Val165Ala (NM_001166290.2, NM_001377296.1, NM_001377297.1); short protein forms V252A, V165A.
Identifiers: ClinVar variation 21200 (VCV000021200.7), dbSNP rs193929352, ClinGen allele CA341726.

ClinVar aggregate classification (germline): Conflicting classifications of pathogenicity. Review status: criteria provided, conflicting classifications (1 of 4 stars). 3 submissions from 3 submitters: Pathogenic (1); Benign (1). 1 of the submissions does not count toward it. Last evaluated 2023-08-08.

Conditions:
Transitory neonatal diabetes mellitus. Also called: Transient neonatal diabetes mellitus. Identifiers: MedGen C0342273, MONDO:0020525, HP:0008255.
Permanent neonatal diabetes mellitus (PNDM). Identifiers: Orphanet 99885, MedGen C1833104, MONDO:0100164, MONDO:0011643. Disease mechanism: gain of function.

Submissions (3):

Labcorp Genetics (formerly Invitae), Labcorp
Classification: Pathogenic. Last evaluated: 2023-08-08. Review status: criteria provided, single submitter. Criteria: Invitae Variant Classification Sherloc (09022015). Collection method: clinical testing. Allele origin: germline.
Comment: Advanced modeling of protein sequence and biophysical properties (such as structural, functional, and spatial information, amino acid conservation, physicochemical variation, residue mobility, and thermodynamic stability) performed at Invitae indicates that this missense variant is expected to disrupt KCNJ11 protein function. ClinVar contains an entry for this variant (Variation ID: 21200). This missense change has been observed in individuals with neonatal onset diabetes mellitus (PMID: 17021801, 22648966, 22815030; Invitae). This variant is not present in population databases (gnomAD no frequency). This sequence change replaces valine, which is neutral and non-polar, with alanine, which is neutral and non-polar, at codon 252 of the KCNJ11 protein (p.Val252Ala). Experimental studies have shown that this missense change affects KCNJ11 function (PMID: 17021801). For these reasons, this variant has been classified as Pathogenic. This variant disrupts the p.Val252 amino acid residue in KCNJ11. Other variant(s) that disrupt this residue have been determined to be pathogenic (PMID: 21056492, 24622368, 32893419). This suggests that this residue is clinically significant, and that variants that disrupt this residue are likely to be disease-causing.

Clinical Genomics, Uppaluri K&H Personalized Medicine Clinic
Classification: Benign for Transitory neonatal diabetes mellitus. Review status: criteria provided, single submitter. Criteria: K & H Uppaluri Personalized Medicine Clinic Variant Classification & Assertion Criteria_Updated V.1. Collection method: research. Allele origin: somatic. Inheritance: Autosomal dominant inheritance. Affected: yes.
Comment: rs193929352 variant of KCNJ11 gene can cause decreased production and secretion of insulin. This can lead to MODY which is responsive to oral sulfonylureas.

GeneReviews
No classification provided. Condition: Permanent neonatal diabetes mellitus. Review status: no classification provided. Collection method: literature only. Allele origin: unknown. Not counted in ClinVar's aggregate classification.

Literature cited by the submitters: PubMed 17021801 (cited by Labcorp Genetics (formerly Invitae), Labcorp and Clinical Genomics, Uppaluri K&H Personalized Medicine Clinic); PubMed 22648966 (cited by Labcorp Genetics (formerly Invitae), Labcorp); PubMed 22815030 (cited by Labcorp Genetics (formerly Invitae), Labcorp); PubMed 21056492 (cited by Labcorp Genetics (formerly Invitae), Labcorp); PubMed 24622368 (cited by Labcorp Genetics (formerly Invitae), Labcorp); PubMed 32893419 (cited by Labcorp Genetics (formerly Invitae), Labcorp); PubMed 20301620 (cited by GeneReviews); NCBI Bookshelf NBK1447 (cited by GeneReviews).